The following is an entry in ClinVar:

NM_001039958.2(MESP2):c.162_175dup (p.Cys59fs)

Gene: MESP2 (mesoderm posterior bHLH transcription factor 2; plus strand). Cytogenetic location: 15q26.1.
Variant type: Duplication.
Coding change: c.162_175dup on transcript NM_001039958.2 (MANE Select); coding-DNA positions 162 to 175, 14 bases duplicated (ACAGCCTCCGAGCT).
Protein change: p.Cys59fs; shifts the reading frame from cysteine 59.
Molecular consequence: frameshift variant.
Genome position (GRCh38, 1-based): chr15:89,776,519-89,776,532, ACAGCCTCCGAGCT duplicated. VCF-style (leftmost placement, unchanged base first): chr15-89776518-C-CACAGCCTCCGAGCT. GRCh37 (hg19) VCF-style: chr15-90319749-C-CACAGCCTCCGAGCT.
Other names: short protein forms C59fs.
Identifiers: ClinVar variation 1354759 (VCV001354759.6), dbSNP rs1968363285, ClinGen allele CA2194780719.

ClinVar aggregate classification (germline): Pathogenic (1 of 4 stars; one submission).

Allele frequency attached by ClinVar (database versions not stated): TOPMed 0.00002.

Submission:

Labcorp Genetics (formerly Invitae), Labcorp
Classification: Pathogenic. Last evaluated: 2026-01-20. Review status: criteria provided, single submitter. Criteria: Invitae Variant Classification Sherloc (09022015). Collection method: clinical testing. Allele origin: germline.
Comment: This sequence change creates a premature translational stop signal (p.Cys59Tyrfs*66) in the MESP2 gene. It is expected to result in an absent or disrupted protein product. Loss-of-function variants in MESP2 are known to be pathogenic (PMID: 9242490, 18485326). This variant is not present in population databases (gnomAD no frequency). This variant has not been reported in the literature in individuals affected with MESP2-related conditions. ClinVar contains an entry for this variant (Variation ID: 1354759). For these reasons, this variant has been classified as Pathogenic.

Literature cited by the submitters: PubMed 9242490; PubMed 18485326.